The following is an entry in ClinVar:

NM_005862.3(STAG1):c.1546+7T>C

Gene: STAG1 (STAG1 cohesin complex component; minus strand). Cytogenetic location: 3q22.3.
Variant type: single nucleotide variant.
Coding change: c.1546+7T>C on transcript NM_005862.3 (MANE Select); 7 bases into the intron after coding-DNA position 1546, T replaced by C.
Molecular consequence: intron variant.
Genome position (GRCh38, 1-based): chr3:136,443,280, A>G on the plus strand (T>C on the coding strand, the complement: STAG1 is on the minus strand). VCF-style: chr3-136443280-A-G. GRCh37 (hg19) VCF-style: chr3-136162122-A-G.
Identifiers: ClinVar variation 2064206 (VCV002064206.26), dbSNP rs144588760, ClinGen allele CA2632877.

ClinVar aggregate classification (germline): Benign/Likely benign. Review status: criteria provided, multiple submitters, no conflicts (2 of 4 stars). 2 submissions from 2 submitters: Benign (1); Likely benign (1). Last evaluated 2026-04-01.

Allele frequency attached by ClinVar (database versions not stated): gnomAD exomes 0.00024; ExAC 0.00061; 1000 Genomes Project 0.00180; gnomAD 0.00208; 1000 Genomes Project 30x 0.00219; ESP Exome Variant Server 0.00254; TOPMed 0.00254.
gnomAD v4.1: 670 of 1,581,154 alleles (0.042%); highest among the groups gnomAD compares: African/African-American, 0.8%; 3 homozygotes.

Submissions (2):

CeGaT Center for Human Genetics Tuebingen
Classification: Likely benign. Last evaluated: 2026-04-01. Review status: criteria provided, single submitter. Criteria: CeGaT Center For Human Genetics Tuebingen Variant Classification Criteria Version 2. Collection method: clinical testing. Allele origin: germline. Affected: yes. Observed: 3 variant alleles.
Comment: STAG1: BP4, BS1

Labcorp Genetics (formerly Invitae), Labcorp
Classification: Benign. Last evaluated: 2026-01-13. Review status: criteria provided, single submitter. Criteria: Invitae Variant Classification Sherloc (09022015). Collection method: clinical testing. Allele origin: germline.